The following is an entry in ClinVar:

ClinVar aggregate classification (germline): Uncertain significance (1 of 4 stars; one submission).

gnomAD v4.1: 5 of 1,614,140 alleles (0.00031%); highest among the groups gnomAD compares: South Asian, 0.0055%; no homozygotes.

Submission:

Women's Health and Genetics/Laboratory Corporation of America, LabCorp
Classification: Uncertain significance. Last evaluated: 2026-05-21. Review status: criteria provided, single submitter. Criteria: LabCorp Variant Classification Summary - May 2015. Collection method: clinical testing. Allele origin: germline.
Comment: Variant summary: LYST c.6424A>G (p.Thr2142Ala) results in a non-conservative amino acid change in the encoded protein sequence. Algorithms developed to predict the effect of missense changes on protein structure and function are either unavailable or do not agree on the potential impact of this missense change. The variant allele was found at a frequency of 4e-06 in 250930 control chromosomes. The available data on variant occurrences in the general population are insufficient to allow any conclusion about variant significance. To our knowledge, no occurrence of c.6424A>G in individuals affected with LYST-related conditions and no experimental evidence demonstrating its impact on protein function have been reported. No submitters have cited clinical-significance assessments for this variant to ClinVar. Based on the evidence outlined above, the variant was classified as uncertain significance.

NM_000081.4(LYST):c.6424A>G (p.Thr2142Ala)

Gene: LYST (lysosomal trafficking regulator; minus strand). Cytogenetic location: 1q42.3.
Variant type: single nucleotide variant.
Coding change: c.6424A>G on transcript NM_000081.4 (MANE Select); coding-DNA position 6424, A replaced by G.
Protein change: p.Thr2142Ala; replaces threonine 2142 with alanine.
Molecular consequence: missense variant.
Genome position (GRCh38, 1-based): chr1:235,759,429, T>C on the plus strand (A>G on the coding strand, the complement: LYST is on the minus strand). VCF-style: chr1-235759429-T-C. GRCh37 (hg19) VCF-style: chr1-235922729-T-C.
Other names: c.6424A>G, p.Thr2142Ala (NM_001301365.1); short protein forms T2142A.
Identifiers: ClinVar variation 4853725 (VCV004853725.1).